The following is an entry in ClinVar:

NM_005732.4(RAD50):c.2116C>T (p.Arg706Ter)

Gene: RAD50 (RAD50 double strand break repair protein; plus strand). Cytogenetic location: 5q31.1.
Variant type: single nucleotide variant.
Coding change: c.2116C>T on transcript NM_005732.4 (MANE Select); coding-DNA position 2116, C replaced by T.
Protein change: p.Arg706Ter; replaces arginine 706 with a stop codon.
Molecular consequence: nonsense.
Genome position (GRCh38, 1-based): chr5:132,595,719, C>T. VCF-style: chr5-132595719-C-T. GRCh37 (hg19) VCF-style: chr5-131931411-C-T.
Other names: short protein forms R706*.
Identifiers: ClinVar variation 457398 (VCV000457398.17), dbSNP rs772468452, ClinGen allele CA3405332.

ClinVar aggregate classification (germline): Pathogenic/Likely pathogenic. Review status: criteria provided, multiple submitters, no conflicts (2 of 4 stars). 6 submissions from 6 submitters: Pathogenic (3); Likely pathogenic (2). 1 of the submissions does not count toward it. Last evaluated 2025-02-10.

Conditions:
RAD50-related disorder. Also called: RAD50-related condition.
Hereditary cancer-predisposing syndrome. Also called: Neoplastic Syndromes, Hereditary; Hereditary Cancer Syndrome; Hereditary neoplastic syndrome; Tumor predisposition. Identifiers: Orphanet 140162, MedGen C0027672, MeSH D009386, MONDO:0015356.
Nijmegen breakage syndrome-like disorder (NBSLD). Also called: MICROCEPHALY AND SPONTANEOUS CHROMOSOME INSTABILITY WITHOUT IMMUNODEFICIENCY; NBS-LIKE DISORDER; RAD50 DEFICIENCY. Identifiers: Orphanet 240760, MedGen C2751318, MONDO:0013118, OMIM 613078.
Type 2 diabetes mellitus. Also called: Type II diabetes mellitus. Identifiers: MedGen C0011860, MeSH D003924, MONDO:0005148, OMIM 125853, HP:0005978.

Allele frequency attached by ClinVar (database versions not stated): ExAC 0.00001; gnomAD exomes 0.00001 and 0.00004; TOPMed 0.00001; gnomAD 0.00002.
gnomAD v4.1: 61 of 1,613,614 alleles (0.0038%); highest among the groups gnomAD compares: Non-Finnish European, 0.0048%; no homozygotes.

Submissions (6):

Labcorp Genetics (formerly Invitae), Labcorp
Classification: Pathogenic for Hereditary cancer-predisposing syndrome. Last evaluated: 2025-02-10. Review status: criteria provided, single submitter. Criteria: Invitae Variant Classification Sherloc (09022015). Collection method: clinical testing. Allele origin: germline.
Comment: This sequence change creates a premature translational stop signal (p.Arg706*) in the RAD50 gene. It is expected to result in an absent or disrupted protein product. Loss-of-function variants in RAD50 are known to be pathogenic (PMID: 19409520). This variant is present in population databases (rs772468452, gnomAD 0.003%). This variant has not been reported in the literature in individuals affected with RAD50-related conditions. ClinVar contains an entry for this variant (Variation ID: 457398). RNA analysis performed to evaluate the impact of this premature translational stop signal on mRNA splicing indicates it does not significantly alter splicing (internal data). For these reasons, this variant has been classified as Pathogenic.

Ambry Genetics
Classification: Pathogenic for Hereditary cancer-predisposing syndrome. Last evaluated: 2023-05-25. Review status: criteria provided, single submitter. Criteria: Ambry Variant Classification Scheme 2023. Collection method: clinical testing. Allele origin: germline.
Comment: The p.R706* pathogenic mutation (also known as c.2116C>T), located in coding exon 13 of the RAD50 gene, results from a C to T substitution at nucleotide position 2116. This changes the amino acid from an arginine to a stop codon within coding exon 13. This alteration is expected to result in loss of function by premature protein truncation or nonsense-mediated mRNA decay. As such, this alteration is interpreted as a disease-causing mutation.

Blueprint Genetics
Classification: Likely pathogenic for RAD50-related disorders. Last evaluated: 2022-07-25. Review status: criteria provided, single submitter. Criteria: ACMG Guidelines, 2015. Collection method: clinical testing. Allele origin: germline. Affected: yes. Observed: 1 variant allele.

Fulgent Genetics
Classification: Pathogenic for Nijmegen breakage syndrome-like disorder. Last evaluated: 2018-10-31. Review status: criteria provided, single submitter. Criteria: ACMG Guidelines, 2015. Collection method: clinical testing. Allele origin: unknown.

Genesis Genomics
Classification: Likely pathogenic for Nijmegen breakage syndrome-like disorder. Review status: criteria provided, single submitter. Criteria: ACMG Guidelines, 2015. Collection method: clinical testing. Allele origin: germline. Affected: yes. Observed: 1 variant allele.

Gene Friend Way, National Innovation Center
Classification: Pathogenic for Type 2 diabetes mellitus. Last evaluated: 2025-01-01. Review status: no assertion criteria provided. Collection method: clinical testing. Allele origin: unknown. Affected: yes. Observed: 1 variant allele. Not counted in ClinVar's aggregate classification.
Comment: This variant creates a premature translational stop signal in the RAD50 gene, results in an absent or disrupted protein product. Loss-of-function variants in RAD50 are known to be pathogenic (PMID: 19409520). The RAD50 gene is associated with pancreatic beta-cell function and susceptibility to type 2 diabetes in mouse models (PMID: 39721698).

Literature cited by the submitters: PubMed 19409520 (cited by Labcorp Genetics (formerly Invitae), Labcorp and Gene Friend Way, National Innovation Center); PubMed 39721698 (cited by Gene Friend Way, National Innovation Center).